The following is an entry in ClinVar:

NM_004247.4(EFTUD2):c.995-1G>C

Gene: EFTUD2 (elongation factor Tu GTP binding domain containing 2; minus strand). Cytogenetic location: 17q21.31.
Variant type: single nucleotide variant.
Coding change: c.995-1G>C on transcript NM_004247.4 (MANE Select); the canonical splice acceptor site of the intron before coding-DNA position 995, G replaced by C.
Molecular consequence: splice acceptor variant.
Genome position (GRCh38, 1-based): chr17:44,868,351, C>G on the plus strand (G>C on the coding strand, the complement: EFTUD2 is on the minus strand). VCF-style: chr17-44868351-C-G. GRCh37 (hg19) VCF-style: chr17-42945719-C-G.
Other names: c.890-1G>C (NM_001142605.2); c.965-1G>C (NM_001258354.2); c.995-1G>C (NM_001258353.2).
Identifiers: ClinVar variation 4886397 (VCV004886397.2).
Genomic context (GRCh38, chr17:44,868,351, plus strand): 5'-TAGGGTTGAAGTAGATGTCACCCCAGAGTCTTTTAGCAAATTCTTGGTAATTAATGTCAC[C>G]TATGGGAGAAGCCACACAATTATAATCTACCTAGCAAAGTGTCGTTCAAAATTCTGTTTC-3'

ClinVar aggregate classification (germline): Likely pathogenic (1 of 4 stars; one submission).

Submission:

Dasa
Classification: Likely pathogenic. Last evaluated: 2025-07-26. Review status: criteria provided, single submitter. Criteria: DASA Assertion Criteria. Collection method: clinical testing. Allele origin: germline.
Comment: NM_004247.4(EFTUD2):c.995-1G>C affects a canonical splice site and is predicted to disrupt normal RNA splicing. Loss of function is an established disease mechanism for EFTUD2 (PMID: 22305528; PMID: 23188108). Also, this variant is absent from population databases. Based on the currently available evidence, this variant is classified as likely pathogenic.

Literature cited by the submitters: PubMed 22305528; PubMed 23188108.